The following is an entry in ClinVar:

NM_000360.4(TH):c.1088T>C (p.Ile363Thr)

Gene: TH (tyrosine hydroxylase; minus strand). Cytogenetic location: 11p15.5.
Variant type: single nucleotide variant.
Coding change: c.1088T>C on transcript NM_000360.4 (MANE Select); coding-DNA position 1088, T replaced by C.
Protein change: p.Ile363Thr; replaces isoleucine 363 with threonine.
Molecular consequence: missense variant.
Genome position (GRCh38, 1-based): chr11:2,166,018, A>G on the plus strand (T>C on the coding strand, the complement: TH is on the minus strand). VCF-style: chr11-2166018-A-G. GRCh37 (hg19) VCF-style: chr11-2187248-A-G.
Other names: c.1100T>C, p.Ile367Thr (NM_001440535.1); c.818T>C, p.Ile273Thr (NM_001440536.1); c.806T>C, p.Ile269Thr (NM_001440537.1); c.1181T>C, p.Ile394Thr (NM_199292.3); c.1169T>C, p.Ile390Thr (NM_199293.3); c.1181T>C (NM_199292.2); short protein forms I269T, I273T, I363T, I367T, I390T, I394T.
Identifiers: ClinVar variation 4688935 (VCV004688935.2).

ClinVar aggregate classification (germline): Likely pathogenic. Review status: criteria provided, multiple submitters, no conflicts (2 of 4 stars). 2 submissions from 2 submitters: Likely pathogenic (2). Last evaluated 2025-12-19.

Conditions:
TH-deficient dopa-responsive dystonia. Also called: Tyrosine Hydroxylase-Deficient Dopa-Responsive Dystonia; Segawa syndrome, autosomal recessive; DYT-TH. Identifiers: Orphanet 101150, MedGen C2673535, MONDO:0011551, OMIM 605407.

gnomAD v4.1: 3 of 1,561,524 alleles (0.00019%); highest among the groups gnomAD compares: South Asian, 0.0035%; no homozygotes.

Submissions (2):

Women's Health and Genetics/Laboratory Corporation of America, LabCorp
Classification: Likely pathogenic for TH-deficient dopa-responsive dystonia. Last evaluated: 2025-12-19. Review status: criteria provided, single submitter. Criteria: LabCorp Variant Classification Summary - May 2015. Collection method: clinical testing. Allele origin: germline.
Comment: Variant summary: TH c.1181T>C (p.Ile394Thr) results in a non-conservative amino acid change in the encoded protein sequence. Algorithms developed to predict the effect of missense changes on protein structure and function all suggest that this variant is likely to be disruptive. The variant was absent in 170218 control chromosomes. c.1181T>C has been observed as homozygous and compound heterozygous in individuals affected with Segawa Syndrome, Autosomal Recessive (Mak_2010, Willemsen_2010). These data indicate that the variant may be associated with disease. At least one publication reports experimental evidence evaluating an impact on protein function (Fossbakk_2014). The most pronounced variant effect results in <0.2% of normal activity. No submitters have cited clinical-significance assessments for this variant to ClinVar. Based on the evidence outlined above, the variant was classified as likely pathogenic.

Natera, Inc.
Classification: Likely pathogenic for Autosomal recessive Segawa syndrome. Last evaluated: 2024-05-20. Review status: criteria provided, single submitter. Criteria: Natera Variant Classification Schema (03/2026). Collection method: clinical testing. Allele origin: germline.
Comment: The c.1181T>C variant in TH is a missense variant predicted to cause substitution of isoleucine to threonine at amino acid 394. This variant is rare in the general population with a frequency below the threshold expected for the associated phenotype(s). This variant has been observed in one or more individuals affected with the associated recessive disease, as either homozygous or compound heterozygous with a second variant (PMID: 20430833, 20056467). This variant has been identified in one or more affected individuals with a phenotype highly consistent with the associated gene (PMID: 20056467, 20430833). Computational prediction algorithms indicate this variant is likely to affect gene or protein function. Given the available evidence, this variant is classified as Likely Pathogenic.

Literature cited by the submitters: PubMed 24753243 (cited by Women's Health and Genetics/Laboratory Corporation of America, LabCorp); PubMed 20056467 (cited by Women's Health and Genetics/Laboratory Corporation of America, LabCorp and Natera, Inc.); PubMed 20430833 (cited by Women's Health and Genetics/Laboratory Corporation of America, LabCorp and Natera, Inc.).